The following is an entry in ClinVar:

NM_001854.4(COL11A1):c.3168+3_3168+4insAG

Gene: COL11A1 (collagen type XI alpha 1 chain; minus strand). Cytogenetic location: 1p21.1.
Variant type: Insertion.
Coding change: c.3168+3_3168+4insAG on transcript NM_001854.4 (MANE Select); bases 3 to 4 of the intron after coding-DNA position 3168, AG inserted.
Molecular consequence: intron variant.
Genome position: GRCh38 VCF-style: chr1-102961862-T-TTC. GRCh37 (hg19) VCF-style: chr1-103427418-T-TTC.
Other names: c.3051+3_3051+4insAG (NM_001190709.2); c.3204+3_3204+4insAG (NM_080629.3); c.2820+3_2820+4insAG (NM_080630.4).
Identifiers: ClinVar variation 2034943 (VCV002034943.4), dbSNP rs2524921755, ClinGen allele CA2580060699.

ClinVar aggregate classification (germline): Uncertain significance (1 of 4 stars; one submission).

Submission:

Labcorp Genetics (formerly Invitae), Labcorp
Classification: Uncertain significance. Last evaluated: 2022-10-09. Review status: criteria provided, single submitter. Criteria: Invitae Variant Classification Sherloc (09022015). Collection method: clinical testing. Allele origin: germline.
Comment: In summary, the available evidence is currently insufficient to determine the role of this variant in disease. Therefore, it has been classified as a Variant of Uncertain Significance. Variants that disrupt the consensus splice site are a relatively common cause of aberrant splicing (PMID: 17576681, 9536098). Algorithms developed to predict the effect of sequence changes on RNA splicing suggest that this variant may disrupt the consensus splice site. This variant has not been reported in the literature in individuals affected with COL11A1-related conditions. This variant is not present in population databases (gnomAD no frequency). This sequence change falls in intron 41 of the COL11A1 gene. It does not directly change the encoded amino acid sequence of the COL11A1 protein. It affects a nucleotide within the consensus splice site.

Literature cited by the submitters: PubMed 17576681; PubMed 9536098.